The following is an entry in ClinVar:

NM_181453.4(GCC2):c.88C>A (p.Leu30Ile)

Gene: GCC2 (GRIP and coiled-coil domain containing 2; plus strand). Cytogenetic location: 2q12.3.
Variant type: single nucleotide variant.
Coding change: c.88C>A on transcript NM_181453.4 (MANE Select); coding-DNA position 88, C replaced by A.
Protein change: p.Leu30Ile; replaces leucine 30 with isoleucine.
Molecular consequence: missense variant. On other transcripts: intron variant (1).
Genome position (GRCh38, 1-based): chr2:108,451,052, C>A. VCF-style: chr2-108451052-C-A. GRCh37 (hg19) VCF-style: chr2-109067508-C-A.
Other names: c.-155-1347C>A (NM_001410194.1); short protein forms L30I.
Identifiers: ClinVar variation 3040511 (VCV003040511.3), dbSNP rs148209837, ClinGen allele CA1820257.

ClinVar aggregate classification (germline): Uncertain significance. Review status: criteria provided, single submitter (1 of 4 stars). 2 submissions from 2 submitters: Uncertain significance (1). 1 of the submissions does not count toward it. Last evaluated 2021-08-13.

Conditions:
GCC2-related disorder. Also called: GCC2-related condition.

Allele frequency attached by ClinVar (database versions not stated): ESP Exome Variant Server 0.00023; 1000 Genomes Project 0.00040; TOPMed 0.00041; gnomAD 0.00046; 1000 Genomes Project 30x 0.00047; ExAC 0.00053.
gnomAD v4.1: 556 of 1,612,784 alleles (0.034%); highest among the groups gnomAD compares: Middle Eastern, 0.15%; 1 homozygote.

Submissions (2):

Ambry Genetics
Classification: Uncertain significance. Last evaluated: 2021-08-13. Review status: criteria provided, single submitter. Criteria: Ambry Variant Classification Scheme 2023. Collection method: clinical testing. Allele origin: germline.

PreventionGenetics, part of Exact Sciences
Classification: Likely benign for GCC2-related condition. Last evaluated: 2019-02-26. Review status: no assertion criteria provided. Collection method: clinical testing. Allele origin: germline. Not counted in ClinVar's aggregate classification.
Comment: This variant is classified as likely benign based on ACMG/AMP sequence variant interpretation guidelines (Richards et al. 2015 PMID: 25741868, with internal and published modifications).